The following is an entry in ClinVar:

ClinVar aggregate classification (germline): Uncertain significance (1 of 4 stars; one submission).

Allele frequency attached by ClinVar (database versions not stated): gnomAD 0.00001; 1000 Genomes Project 30x 0.00016; 1000 Genomes Project 0.00020.
gnomAD v4.1: 1 of 1,613,644 alleles (0.000062%); highest among the groups gnomAD compares: African/African-American, 0.0013%; no homozygotes.

Submission:

Labcorp Genetics (formerly Invitae), Labcorp
Classification: Uncertain significance. Last evaluated: 2022-12-06. Review status: criteria provided, single submitter. Criteria: Invitae Variant Classification Sherloc (09022015). Collection method: clinical testing. Allele origin: germline.
Comment: In summary, the available evidence is currently insufficient to determine the role of this variant in disease. Therefore, it has been classified as a Variant of Uncertain Significance. Algorithms developed to predict the effect of missense changes on protein structure and function are either unavailable or do not agree on the potential impact of this missense change (SIFT: "Tolerated"; PolyPhen-2: "Not Available"; Align-GVGD: "Class C0"). ClinVar contains an entry for this variant (Variation ID: 1472503). This variant has not been reported in the literature in individuals affected with PCLO-related conditions. This variant is present in population databases (rs577149503, gnomAD 0.007%). This sequence change replaces aspartic acid, which is acidic and polar, with glycine, which is neutral and non-polar, at codon 693 of the PCLO protein (p.Asp693Gly).

NM_033026.6(PCLO):c.2078A>G (p.Asp693Gly)

Gene: PCLO (piccolo presynaptic cytomatrix protein; minus strand). Cytogenetic location: 7q21.11.
Variant type: single nucleotide variant.
Coding change: c.2078A>G on transcript NM_033026.6 (MANE Select); coding-DNA position 2078, A replaced by G.
Protein change: p.Asp693Gly; replaces aspartic acid 693 with glycine.
Molecular consequence: missense variant.
Genome position (GRCh38, 1-based): chr7:83,135,472, T>C on the plus strand (A>G on the coding strand, the complement: PCLO is on the minus strand). VCF-style: chr7-83135472-T-C. GRCh37 (hg19) VCF-style: chr7-82764788-T-C.
Other names: c.2078A>G, p.Asp693Gly (NM_014510.3); short protein forms D693G.
Identifiers: ClinVar variation 1472503 (VCV001472503.6), dbSNP rs577149503, ClinGen allele CA4321316.